The following is an entry in ClinVar:

NM_024675.4(PALB2):c.377A>G (p.Glu126Gly)

Gene: PALB2 (partner and localizer of BRCA2; minus strand). Cytogenetic location: 16p12.2.
Variant type: single nucleotide variant.
Coding change: c.377A>G on transcript NM_024675.4 (MANE Select); coding-DNA position 377, A replaced by G.
Protein change: p.Glu126Gly; replaces glutamic acid 126 with glycine.
Molecular consequence: missense variant. On other transcripts: 5 prime UTR variant (8), intron variant (3).
Genome position (GRCh38, 1-based): chr16:23,636,169, T>C on the plus strand (A>G on the coding strand, the complement: PALB2 is on the minus strand). VCF-style: chr16-23636169-T-C. GRCh37 (hg19) VCF-style: chr16-23647490-T-C.
Other names: c.317A>G, p.Glu106Gly (NM_001407296.1); c.377A>G, p.Glu126Gly (NM_001407297.1, NM_001407298.1, NM_001407299.1 and 3 more transcripts); c.-509A>G (NM_001407304.1, NM_001407305.1, NM_001407306.1 and 5 more transcripts); c.48+4941A>G (NM_001407314.1); c.-105+4941A>G (NM_001407313.1, NM_001407312.1); short protein forms E106G, E126G.
Identifiers: ClinVar variation 2973583 (VCV002973583.3), dbSNP rs1597099431, ClinGen allele CA395137499.

ClinVar aggregate classification (germline): Uncertain significance (1 of 4 stars; one submission).

Conditions:
Familial cancer of breast. Also called: hereditary breast carcinoma; Hereditary breast cancer; BREAST CANCER, FAMILIAL. Identifiers: Orphanet 227535, MedGen C0346153, MONDO:0016419, OMIM 114480. Disease mechanism: loss of function.

Submission:

Labcorp Genetics (formerly Invitae), Labcorp
Classification: Uncertain significance for Familial cancer of breast. Last evaluated: 2023-07-25. Review status: criteria provided, single submitter. Criteria: Invitae Variant Classification Sherloc (09022015). Collection method: clinical testing. Allele origin: germline.
Comment: This sequence change replaces glutamic acid, which is acidic and polar, with glycine, which is neutral and non-polar, at codon 126 of the PALB2 protein (p.Glu126Gly). This variant is not present in population databases (gnomAD no frequency). This variant has not been reported in the literature in individuals affected with PALB2-related conditions. Algorithms developed to predict the effect of missense changes on protein structure and function output the following: SIFT: "Not Available"; PolyPhen-2: "Benign"; Align-GVGD: "Not Available". The glycine amino acid residue is found in multiple mammalian species, which suggests that this missense change does not adversely affect protein function. In summary, the available evidence is currently insufficient to determine the role of this variant in disease. Therefore, it has been classified as a Variant of Uncertain Significance.